The following is an entry in ClinVar:

ClinVar aggregate classification (germline): Benign (1 of 4 stars; one submission).

Submission:

Laboratory for Molecular Medicine, Mass General Brigham Personalized Medicine
Classification: Benign. Last evaluated: 2016-03-29. Review status: criteria provided, single submitter. Criteria: LMM Criteria. Collection method: clinical testing. Allele origin: germline.
Comment: Variant identified in a genome or exome case(s) and assessed due to predicted null impact of the variant or pathogenic assertions in the literature or databases. Disclaimer: This variant has not undergone full assessment. The following are preliminary notes: Frequency in ESP (all): 12245/12248=99.9%

NM_015717.4(CD207):c.73dup (p.Glu25Glyfs)

Gene: CD207 (CD207 molecule; minus strand). Cytogenetic location: 2p13.3.
Variant type: Duplication.
Coding change: c.73dup on transcript NM_015717.4; coding-DNA position 73, one base duplicated (G; older notation c.73dupG).
Protein change: p.Glu25Glyfs; shifts the reading frame from glutamic acid 25.
Genome position (GRCh38, 1-based): chr2:70,835,703, C duplicated on the plus strand (G on the coding strand, the reverse complement: CD207 is on the minus strand); the first of 2 consecutive C bases (chr2:70,835,703-70,835,704); duplicating either gives the same sequence. VCF-style (leftmost placement, unchanged base first): chr2-70835702-G-GC. GRCh37 (hg19) VCF-style: chr2-71062833-G-GCC.
Other names: NM_015717.3:c.71+2dupG.
Identifiers: ClinVar variation 402516 (VCV000402516.4), dbSNP rs11450450, ClinGen allele CA16609789.